The following is an entry in ClinVar:

ClinVar aggregate classification (germline): Uncertain significance (1 of 4 stars; one submission).

Submission:

Labcorp Genetics (formerly Invitae), Labcorp
Classification: Uncertain significance. Last evaluated: 2024-10-12. Review status: criteria provided, single submitter. Criteria: Invitae Variant Classification Sherloc (09022015). Collection method: clinical testing. Allele origin: germline.
Comment: This sequence change replaces glycine, which is neutral and non-polar, with serine, which is neutral and polar, at codon 831 of the WFS1 protein (p.Gly831Ser). This variant is not present in population databases (gnomAD no frequency). This missense change has been observed in individual(s) with sensensorineural hearing impairment (PMID: 24909696). Invitae Evidence Modeling of protein sequence and biophysical properties (such as structural, functional, and spatial information, amino acid conservation, physicochemical variation, residue mobility, and thermodynamic stability) has been performed for this missense variant. However, the output from this modeling did not meet the statistical confidence thresholds required to predict the impact of this variant on WFS1 protein function. In summary, the available evidence is currently insufficient to determine the role of this variant in disease. Therefore, it has been classified as a Variant of Uncertain Significance.

Literature cited by the submitters: PubMed 24909696.

NM_006005.3(WFS1):c.2491G>A (p.Gly831Ser)

Gene: WFS1 (wolframin ER transmembrane glycoprotein; plus strand). Cytogenetic location: 4p16.1.
Variant type: single nucleotide variant.
Coding change: c.2491G>A on transcript NM_006005.3 (MANE Select); coding-DNA position 2491, G replaced by A.
Protein change: p.Gly831Ser; replaces glycine 831 with serine.
Molecular consequence: missense variant.
Genome position (GRCh38, 1-based): chr4:6,302,286, G>A. VCF-style: chr4-6302286-G-A. GRCh37 (hg19) VCF-style: chr4-6304013-G-A.
Other names: c.2491G>A, p.Gly831Ser (NM_001145853.1); short protein forms G831S.
Identifiers: ClinVar variation 3720572 (VCV003720572.2).